The following is an entry in ClinVar:

ClinVar aggregate classification (germline): Uncertain significance. Review status: criteria provided, multiple submitters, no conflicts (2 of 4 stars). 2 submissions from 2 submitters: Uncertain significance (2). Last evaluated 2025-12-14.

Conditions:
Hereditary cancer-predisposing syndrome. Also called: Hereditary neoplastic syndrome; Tumor predisposition; Neoplastic Syndromes, Hereditary; Hereditary Cancer Syndrome. Identifiers: Orphanet 140162, MedGen C0027672, MeSH D009386, MONDO:0015356.

gnomAD v4.1: 1 of 1,614,038 alleles (0.000062%); highest among the groups gnomAD compares: Non-Finnish European, 0.000085%; no homozygotes.

Submissions (2):

Labcorp Genetics (formerly Invitae), Labcorp
Classification: Uncertain significance. Last evaluated: 2025-12-14. Review status: criteria provided, single submitter. Criteria: Invitae Variant Classification Sherloc (09022015). Collection method: clinical testing. Allele origin: germline.
Comment: This sequence change replaces histidine, which is basic and polar, with tyrosine, which is neutral and polar, at codon 614 of the MSH3 protein (p.His614Tyr). This variant is not present in population databases (gnomAD no frequency). This variant has not been reported in the literature in individuals affected with MSH3-related conditions. ClinVar contains an entry for this variant (Variation ID: 656890). An algorithm developed to predict the effect of missense changes on protein structure and function outputs the following: PolyPhen-2: "Benign". The tyrosine amino acid residue is found in multiple mammalian species, which suggests that this missense change does not adversely affect protein function. In summary, the available evidence is currently insufficient to determine the role of this variant in disease. Therefore, it has been classified as a Variant of Uncertain Significance.

Ambry Genetics
Classification: Uncertain significance for Hereditary cancer-predisposing syndrome. Last evaluated: 2024-10-11. Review status: criteria provided, single submitter. Criteria: Ambry Variant Classification Scheme 2023. Collection method: clinical testing. Allele origin: germline.
Comment: The p.H614Y variant (also known as c.1840C>T), located in coding exon 13 of the MSH3 gene, results from a C to T substitution at nucleotide position 1840. The histidine at codon 614 is replaced by tyrosine, an amino acid with similar properties. This amino acid position is poorly conserved in available vertebrate species. In addition, this alteration is predicted to be tolerated by in silico analysis. Since supporting evidence is limited at this time, the clinical significance of this alteration remains unclear.

NM_002439.5(MSH3):c.1840C>T (p.His614Tyr)

Gene: MSH3 (mutS homolog 3; plus strand). Cytogenetic location: 5q14.1.
Variant type: single nucleotide variant.
Coding change: c.1840C>T on transcript NM_002439.5 (MANE Select); coding-DNA position 1840, C replaced by T.
Protein change: p.His614Tyr; replaces histidine 614 with tyrosine.
Molecular consequence: missense variant.
Genome position (GRCh38, 1-based): chr5:80,761,622, C>T. VCF-style: chr5-80761622-C-T. GRCh37 (hg19) VCF-style: chr5-80057441-C-T.
Other names: short protein forms H614Y.
Identifiers: ClinVar variation 656890 (VCV000656890.12), dbSNP rs368729300, ClinGen allele CA360276627.